The following is an entry in ClinVar:

NM_206933.4(USH2A):c.1111_1112del (p.Ile371fs)

Gene: USH2A (usherin; minus strand). Cytogenetic location: 1q41.
Variant type: Deletion.
Coding change: c.1111_1112del on transcript NM_206933.4 (MANE Select); coding-DNA positions 1111 to 1112, 2 bases deleted (AT; older notation c.1111_1112delAT).
Protein change: p.Ile371fs; shifts the reading frame from isoleucine 371.
Molecular consequence: frameshift variant.
Genome position (GRCh38, 1-based): chr1:216,325,336-216,325,337, AT deleted on the plus strand (AT on the coding strand, the reverse complement: USH2A is on the minus strand); deleting any 2 consecutive bases within chr1:216,325,336-216,325,338 gives the same sequence; the c. name uses the placement nearest the transcript's 3' end. VCF-style (leftmost placement, unchanged base first): chr1-216325335-AAT-A. GRCh37 (hg19) VCF-style: chr1-216498677-AAT-A.
Other names: c.1111_1112del, p.Ile371fs (NM_007123.6); c.1111_1112delAT (NM_206933.4); c.1111_1112del (NM_206933.2); short protein forms I371fs.
Identifiers: ClinVar variation 495336 (VCV000495336.20), dbSNP rs1366496013, ClinGen allele CA529004316.
Genomic context (GRCh38, chr1:216,325,335, plus strand): 5'-ATTAATGTACACCTTATCGTTTCTCATTACCTGATACTGTCCATTTTCCAAATCAACTGA[AAT>A]AGTCACTCCTTGATTAAGCTGTGTAATGTTTGTAAACACATTTGAAACCCATGAAGTACC-3'

ClinVar aggregate classification (germline): Pathogenic/Likely pathogenic. Review status: criteria provided, multiple submitters, no conflicts (2 of 4 stars). 13 submissions from 11 submitters: Pathogenic (10); Likely pathogenic (2). 1 of the submissions does not count toward it. Last evaluated 2026-05-27.

Conditions:
Retinal disorder. Also called: Retinal disorders; Retinopathy; Retinopathies; Retinal Diseases. Identifiers: MedGen C0035309, MONDO:0005283, HP:0000488.
Retinitis pigmentosa 39 (RP39). Identifiers: Orphanet 791, MedGen C3151138, MONDO:0013436, OMIM 613809.
Monogenic hearing loss.
Usher syndrome type 2A. Also called: RETINAL DISEASE IN USHER SYNDROME TYPE IIA, MODIFIER OF; USHER SYNDROME, TYPE IIA. Identifiers: Orphanet 231178, Orphanet 886, MedGen C1848634, MONDO:0010169, OMIM 276901.
USH2A-related disorder. Also called: USH2A-related condition; USH2A-related disorders. Identifiers: MedGen CN239332.

Submissions (13):

Genetics Laboratory, Great Ormond Street Hospital NHS Foundation Trust, North Thames Genomic Laboratory Hub
Classification: Pathogenic for Retinal disorders. Last evaluated: 2026-05-27. Review status: criteria provided, single submitter. Criteria: ACGS Best Practice Guidelines for Variant Classification in Rare Disease 2024 v1.2. Collection method: clinical testing. Allele origin: germline. Affected: yes.
Comment: PM2_moderate, PVS1_very-strong, PM3_moderate

Genetics Laboratory, Great Ormond Street Hospital NHS Foundation Trust, North Thames Genomic Laboratory Hub
Classification: Pathogenic for Monogenic hearing loss. Last evaluated: 2026-05-27. Review status: criteria provided, single submitter. Criteria: ACGS Best Practice Guidelines for Variant Classification in Rare Disease 2024 v1.2. Collection method: clinical testing. Allele origin: germline. Affected: yes.
Comment: the same text as in the submission from Genetics Laboratory, Great Ormond Street Hospital NHS Foundation Trust, North Thames Genomic Laboratory Hub above.

Natera, Inc.
Classification: Pathogenic for Usher syndrome type 2A. Last evaluated: 2025-04-19. Review status: criteria provided, single submitter. Criteria: Natera Variant Classification Schema (03/2026). Collection method: clinical testing. Allele origin: germline.
Comment: The c.1111_1112delAT variant in USH2A is a frameshift variant predicted to shift the reading frame beginning at codon 371 and leads to a stop codon 3 codons downstream. This variant is expected to result in nonsense mediated decay, truncation, or a dysfunctional protein product. This variant is rare in the general population with a frequency below the threshold expected for the associated phenotype(s). This variant has been observed in one or more individuals affected with the associated recessive disease, as either homozygous or compound heterozygous with a second variant (PMID: 32176120). Given the available evidence, this variant is classified as Pathogenic.

GeneDx
Classification: Pathogenic. Last evaluated: 2024-12-05. Review status: criteria provided, single submitter. Criteria: GeneDx Variant Classification Process June 2021. Collection method: clinical testing. Allele origin: germline. Affected: yes.
Comment: Frameshift variant predicted to result in protein truncation or nonsense mediated decay in a gene for which loss of function is a known mechanism of disease; Not observed at significant frequency in large population cohorts (gnomAD); This variant is associated with the following publications: (PMID: 16963483, 18641288, 36011402, 32176120, 31964843)

Labcorp Genetics (formerly Invitae), Labcorp
Classification: Pathogenic. Last evaluated: 2024-11-11. Review status: criteria provided, single submitter. Criteria: Invitae Variant Classification Sherloc (09022015). Collection method: clinical testing. Allele origin: germline.
Comment: This sequence change creates a premature translational stop signal (p.Ile371Phefs*3) in the USH2A gene. It is expected to result in an absent or disrupted protein product. Loss-of-function variants in USH2A are known to be pathogenic (PMID: 10729113, 10909849, 20507924, 25649381). This variant is present in population databases (no rsID available, gnomAD 0.007%). This premature translational stop signal has been observed in individual(s) with retinitis pigmentosa (PMID: 18641288). ClinVar contains an entry for this variant (Variation ID: 495336). For these reasons, this variant has been classified as Pathogenic.

Blueprint Genetics
Classification: Pathogenic for USH2A-related disorders. Last evaluated: 2024-06-12. Review status: criteria provided, single submitter. Criteria: ACMG Guidelines, 2015. Collection method: clinical testing. Allele origin: germline. Affected: yes. Observed: 5 variant alleles.

Fulgent Genetics
Classification: Pathogenic for Usher syndrome type 2A; Retinitis pigmentosa 39. Last evaluated: 2024-04-11. Review status: criteria provided, single submitter. Criteria: ACMG Guidelines, 2015. Collection method: clinical testing. Allele origin: germline.

Genome-Nilou Lab
Classification: Likely pathogenic for Retinitis pigmentosa 39. Last evaluated: 2023-11-04. Review status: criteria provided, single submitter. Criteria: ACMG Guidelines, 2015. Collection method: clinical testing. Allele origin: germline. Affected: no.

Genome-Nilou Lab
Classification: Likely pathogenic for Usher syndrome type 2A. Last evaluated: 2023-11-04. Review status: criteria provided, single submitter. Criteria: ACMG Guidelines, 2015. Collection method: clinical testing. Allele origin: germline. Affected: no.

Baylor Genetics
Classification: Pathogenic for Retinitis pigmentosa 39. Last evaluated: 2023-09-14. Review status: criteria provided, single submitter. Criteria: ACMG Guidelines, 2015. Collection method: clinical testing. Allele origin: unknown.

Genetics and Molecular Pathology, SA Pathology
Classification: Pathogenic for Usher syndrome type 2A. Last evaluated: 2022-05-23. Review status: criteria provided, single submitter. Criteria: ACMG Guidelines, 2015. Collection method: clinical testing. Allele origin: germline. Inheritance: Autosomal recessive inheritance. Affected: yes.
Comment: The USH2A c.1111_1112del variant is classified as PATHOGENIC (PVS1, PM2, PS4_S) This variant is a deletion of two consecutive nucleotides in exon 6/72 of the USH2A gene, predicted to encode a frame shift of the mature mRNA with consequent premature termination of protein synthesis at codon 3 of the frame-shift, or 373 (USH2A:p.(Ile371PhefsTer3)) (PVS1). The variant has been identified in multiple unrelated individuals with Usher syndrome and non-syndromic Retinitis pigmentosa, and confirmed in trans with a second pathogenic variant in an individual with non-syndromic Retinitis pigmentosa (PMID:16963483, PMID:32176120, PMID:18641288). The variant is in dbSNP (rs1366496013) but it is rare in population databases (gnomAD: 1/152208, 0 homozygote) (PM2). This variant has been reported in ClinVar (VariationID: 495336) and HGMD (Accession: CD071406) as disease causing variant (PS4_S).

Broad Center for Mendelian Genomics, Broad Institute of MIT and Harvard
Classification: Pathogenic for Usher syndrome type 2A. Last evaluated: 2017-06-25. Review status: criteria provided, single submitter. Criteria: ACMG Guidelines, 2015. Collection method: research. Allele origin: germline. Inheritance: Autosomal recessive inheritance. Affected: yes. Observed: 1 variant allele. Study: Broad Institute Center for Mendelian Genomics (CMG).
Comment: Reportedly 1 case with this variant in the supplement but that is not available at the time of review (broken link). In trans to a known pathogenic variant. In gnomAD, not found in exomes, once in genomes (1/30960 chromosomes). (PM2, PM3, PVS1).

Counsyl
Classification: Likely pathogenic for Usher syndrome type 2A; Retinitis pigmentosa 39. Last evaluated: 2017-08-16. Review status: no assertion criteria provided. Collection method: clinical testing. Allele origin: unknown. Not counted in ClinVar's aggregate classification.

Literature cited by the submitters: PubMed 32176120 (cited by Natera, Inc. and Genetics and Molecular Pathology, SA Pathology); PubMed 10729113 (cited by Labcorp Genetics (formerly Invitae), Labcorp); PubMed 10909849 (cited by Labcorp Genetics (formerly Invitae), Labcorp); PubMed 20507924 (cited by Labcorp Genetics (formerly Invitae), Labcorp); PubMed 25649381 (cited by Labcorp Genetics (formerly Invitae), Labcorp); PubMed 18641288 (cited by 3 submitters); PubMed 16963483 (cited by Genetics and Molecular Pathology, SA Pathology and Broad Center for Mendelian Genomics, Broad Institute of MIT and Harvard).